The following is an entry in ClinVar:

NM_001244008.2(KIF1A):c.2721GGA[9] (p.Glu916_Glu917del)

Gene: KIF1A (kinesin family member 1A; minus strand). Cytogenetic location: 2q37.3.
Variant type: Microsatellite.
Coding change: c.2721GGA[9] on transcript NM_001244008.2 (MANE Select); nine copies in a row of the 3-base unit GGA starting at c.2721; the reference has 11 copies in a row; two copies, 6 bases deleted; also written c.2748_2753del.
Protein change: p.Glu916_Glu917del.
Molecular consequence: inframe deletion. On other transcripts: intron variant (18).
Genome position (GRCh38, 1-based): chr2:240,757,424-240,757,429, TCCTCC deleted on the plus strand (GGAGGA on the coding strand, the reverse complement: KIF1A is on the minus strand); deleting any 6 consecutive bases within chr2:240,757,424-240,757,456 gives the same sequence; the position shown is the placement nearest the transcript's 3' end. VCF-style (leftmost placement, unchanged base first): chr2-240757423-ATCCTCC-A. GRCh37 (hg19) VCF-style: chr2-241696840-ATCCTCC-A.
Other names: c.2748_2753del (NM_001244008.2, NM_001244008.1); c.2796GGA[9], p.Glu941_Glu942del (NM_001379631.1); c.2670GGA[9], p.Glu899_Glu900del (NM_001379632.1); c.2694GGA[9], p.Glu907_Glu908del (NM_001379633.1, NM_001379642.1, NM_001379645.1); c.2555+904GGA[9] (NM_001379653.1, NM_001379650.1, NM_001379640.1 and 6 more transcripts); c.2657+904GGA[9] (NM_001379635.1, NM_001330290.2, NM_001379646.1 and 1 more transcripts); c.2630+904GGA[9] (NM_001379637.1, NM_001379648.1); c.2582+904GGA[9] (NM_001320705.2, NM_001379638.1, NM_001330289.2).
Identifiers: ClinVar variation 211282 (VCV000211282.49), dbSNP rs10594016, ClinGen allele CA205541.

ClinVar aggregate classification (germline): Conflicting classifications of pathogenicity. Review status: criteria provided, conflicting classifications (1 of 4 stars). 8 submissions from 8 submitters: Uncertain significance (1); Benign (6); Likely benign (1). Last evaluated 2026-09-01.

Conditions:
Intellectual disability, autosomal dominant 9 (NESCAVS). Also called: NESCAV SYNDROME; KIF1A-Related Neurodevelopmental Disorder. Identifiers: Orphanet 662367, MedGen C5393830, MONDO:0013656, OMIM 614255.

Submissions (8):

CeGaT Center for Human Genetics Tuebingen
Classification: Benign. Last evaluated: 2026-09-01. Review status: criteria provided, single submitter. Criteria: CeGaT Center For Human Genetics Tuebingen Variant Classification Criteria Version 2. Collection method: clinical testing. Allele origin: germline. Affected: yes. Observed: 37 variant alleles.
Comment: KIF1A: BS1, BS2

ARUP Laboratories, Molecular Genetics and Genomics, ARUP Laboratories
Classification: Benign. Last evaluated: 2025-04-21. Review status: criteria provided, single submitter. Criteria: ARUP Molecular Germline Variant Investigation Process 2024. Collection method: clinical testing. Allele origin: germline.

Genomic Medicine Center of Excellence, King Faisal Specialist Hospital and Research Centre
Classification: Benign for Intellectual disability, autosomal dominant 9. Last evaluated: 2024-12-17. Review status: criteria provided, single submitter. Criteria: ACMG Guidelines, 2015. Collection method: clinical testing. Allele origin: germline.

Blueprint Genetics
Classification: Likely benign. Last evaluated: 2024-11-26. Review status: criteria provided, single submitter. Criteria: ACMG Guidelines, 2015. Collection method: clinical testing. Allele origin: germline.

Athena Diagnostics
Classification: Benign. Last evaluated: 2023-12-29. Review status: criteria provided, single submitter. Criteria: Athena Diagnostics Criteria. Collection method: clinical testing. Allele origin: unknown.

Mendelics
Classification: Benign. Last evaluated: 2022-05-04. Review status: criteria provided, single submitter. Criteria: Mendelics Assertion Criteria 2019. Collection method: clinical testing. Allele origin: germline.

GeneDx
Classification: Benign. Last evaluated: 2016-07-22. Review status: criteria provided, single submitter. Criteria: GeneDx Variant Classification Process June 2021. Collection method: clinical testing. Allele origin: germline. Affected: yes.

Genetic Services Laboratory, University of Chicago
Classification: Uncertain significance. Last evaluated: 2014-06-27. Review status: criteria provided, single submitter. Criteria: ACMG Guidelines, 2015. Collection method: clinical testing. Allele origin: germline.